The following is an entry in ClinVar:

NM_003024.3(ITSN1):c.809A>G (p.Gln270Arg)

Gene: ITSN1 (intersectin 1; plus strand). Cytogenetic location: 21q22.11.
Variant type: single nucleotide variant.
Coding change: c.809A>G on transcript NM_003024.3 (MANE Select); coding-DNA position 809, A replaced by G.
Protein change: p.Gln270Arg; replaces glutamine 270 with arginine.
Molecular consequence: missense variant.
Genome position (GRCh38, 1-based): chr21:33,765,895, A>G. VCF-style: chr21-33765895-A-G. GRCh37 (hg19) VCF-style: chr21-35138199-A-G.
Other names: c.809A>G, p.Gln270Arg (NM_001001132.2, NM_001331008.2, NM_001331009.2 and 2 more transcripts); c.698A>G, p.Gln233Arg (NM_001331012.2); short protein forms Q270R, Q233R.
Identifiers: ClinVar variation 2172497 (VCV002172497.4), dbSNP rs775871104, ClinGen allele CA10011431.

ClinVar aggregate classification (germline): Uncertain significance (1 of 4 stars; one submission).

Allele frequency attached by ClinVar (database versions not stated): TOPMed below 0.00001; gnomAD exomes 0.00001; ExAC 0.00002.

Submission:

Labcorp Genetics (formerly Invitae), Labcorp
Classification: Uncertain significance. Last evaluated: 2022-08-17. Review status: criteria provided, single submitter. Criteria: Invitae Variant Classification Sherloc (09022015). Collection method: clinical testing. Allele origin: germline.
Comment: This variant has not been reported in the literature in individuals affected with ITSN1-related conditions. This variant is present in population databases (rs775871104, gnomAD 0.002%). This sequence change replaces glutamine, which is neutral and polar, with arginine, which is basic and polar, at codon 270 of the ITSN1 protein (p.Gln270Arg). Algorithms developed to predict the effect of missense changes on protein structure and function are either unavailable or do not agree on the potential impact of this missense change (SIFT: "Tolerated"; PolyPhen-2: "Not Available"; Align-GVGD: "Class C0"). In summary, the available evidence is currently insufficient to determine the role of this variant in disease. Therefore, it has been classified as a Variant of Uncertain Significance.